The following is an entry in ClinVar:

NM_001349.4(DARS1):c.671T>C (p.Ile224Thr)

Gene: DARS1 (aspartyl-tRNA synthetase 1; minus strand). Cytogenetic location: 2q21.3.
Variant type: single nucleotide variant.
Coding change: c.671T>C on transcript NM_001349.4 (MANE Select); coding-DNA position 671, T replaced by C.
Protein change: p.Ile224Thr; replaces isoleucine 224 with threonine.
Molecular consequence: missense variant.
Genome position (GRCh38, 1-based): chr2:135,924,392, A>G on the plus strand (T>C on the coding strand, the complement: DARS1 is on the minus strand). VCF-style: chr2-135924392-A-G. GRCh37 (hg19) VCF-style: chr2-136681962-A-G.
Other names: p.Ile224Thr; c.371T>C, p.Ile124Thr (NM_001293312.1); c.671T>C (NM_001349.2); short protein forms I224T, I124T.
Identifiers: ClinVar variation 377267 (VCV000377267.11), dbSNP rs200961740, ClinGen allele CA1889721.

ClinVar aggregate classification (germline): Uncertain significance. Review status: criteria provided, multiple submitters, no conflicts (2 of 4 stars). 5 submissions from 5 submitters: Uncertain significance (5). Last evaluated 2024-09-10.

Conditions:
Inborn genetic diseases. Identifiers: MedGen C0950123, MeSH D030342.

Allele frequency attached by ClinVar (database versions not stated): ExAC 0.00011; gnomAD exomes 0.00014 and 0.00020; TOPMed 0.00016; gnomAD 0.00018 and 0.00019; 1000 Genomes Project 30x 0.00031; 1000 Genomes Project 0.00040.
gnomAD v4.1: 313 of 1,593,704 alleles (0.02%); highest among the groups gnomAD compares: Non-Finnish European, 0.025%; no homozygotes.

Submissions (5):

Blueprint Genetics
Classification: Uncertain significance. Last evaluated: 2024-09-10. Review status: criteria provided, single submitter. Criteria: ACMG Guidelines, 2015. Collection method: clinical testing. Allele origin: germline.

Mayo Clinic Laboratories, Mayo Clinic
Classification: Uncertain significance. Last evaluated: 2024-01-31. Review status: criteria provided, single submitter. Criteria: ACMG Guidelines, 2015. Collection method: clinical testing. Allele origin: germline. Observed: 1 variant allele.

Labcorp Genetics (formerly Invitae), Labcorp
Classification: Uncertain significance. Last evaluated: 2023-11-27. Review status: criteria provided, single submitter. Criteria: Invitae Variant Classification Sherloc (09022015). Collection method: clinical testing. Allele origin: germline.
Comment: This sequence change replaces isoleucine, which is neutral and non-polar, with threonine, which is neutral and polar, at codon 224 of the DARS protein (p.Ile224Thr). This variant is present in population databases (rs200961740, gnomAD 0.06%). This variant has not been reported in the literature in individuals affected with DARS-related conditions. ClinVar contains an entry for this variant (Variation ID: 377267). Advanced modeling of protein sequence and biophysical properties (such as structural, functional, and spatial information, amino acid conservation, physicochemical variation, residue mobility, and thermodynamic stability) performed at Invitae indicates that this missense variant is not expected to disrupt DARS protein function with a negative predictive value of 80%. In summary, the available evidence is currently insufficient to determine the role of this variant in disease. Therefore, it has been classified as a Variant of Uncertain Significance.

Ambry Genetics
Classification: Uncertain significance for Inborn genetic diseases. Last evaluated: 2021-01-07. Review status: criteria provided, single submitter. Criteria: Ambry Variant Classification Scheme 2023. Collection method: clinical testing. Allele origin: germline.
Comment: The c.671T>C (p.I224T) alteration is located in exon 8 (coding exon 8) of the DARS gene. This alteration results from a T to C substitution at nucleotide position 671, causing the isoleucine (I) at amino acid position 224 to be replaced by a threonine (T). The in silico prediction for the p.I224T alteration is inconclusive. Based on insufficient or conflicting evidence, the clinical significance of this alteration remains unclear.

Center for Pediatric Genomic Medicine, Children's Mercy Hospital and Clinics
Classification: Uncertain significance. Last evaluated: 2016-09-13. Review status: criteria provided, single submitter. Criteria: ACMG Guidelines, 2015. Collection method: clinical testing. Allele origin: germline.
ClinVar note: Converted during submission from Uncertain Significance to Uncertain significance.